The following is an entry in ClinVar:

NM_017950.4(CCDC40):c.1210A>G (p.Met404Val)

Gene: CCDC40 (coiled-coil domain 40 molecular ruler complex subunit; plus strand). Cytogenetic location: 17q25.3.
Variant type: single nucleotide variant.
Coding change: c.1210A>G on transcript NM_017950.4 (MANE Select); coding-DNA position 1210, A replaced by G.
Protein change: p.Met404Val; replaces methionine 404 with valine.
Molecular consequence: missense variant.
Genome position (GRCh38, 1-based): chr17:80,058,544, A>G. VCF-style: chr17-80058544-A-G. GRCh37 (hg19) VCF-style: chr17-78032343-A-G.
Other names: c.1210A>G, p.Met404Val (NM_001243342.2, NM_001330508.2); c.1210A>G (NM_017950.3); short protein forms M404V.
Identifiers: ClinVar variation 1035433 (VCV001035433.6), dbSNP rs774090634, ClinGen allele CA8813738.
Genomic context (GRCh38, chr17:80,058,544, plus strand): 5'-CGCCCCGCAGTGGCGGCTCTGCAGACTGAGATGGAGAACTTGGCCCTGCATCTCTTCTAC[A>G]TGCAGAACATCGACCAGGACATGCGTGACGACATCCGCGTGATGACACAAGTGGTAAAGA-3'
Protein context (NP_060420.2, residues 394-414): MENLALHLFY[Met404Val]QNIDQDMRDD

ClinVar aggregate classification (germline): Uncertain significance. Review status: criteria provided, multiple submitters, no conflicts (2 of 4 stars). 2 submissions from 2 submitters: Uncertain significance (2). Last evaluated 2024-06-17.

Conditions:
Primary ciliary dyskinesia. Also called: Ciliary dyskinesia. Identifiers: Orphanet 244, MedGen C0008780, MONDO:0016575, HP:0012265.

Allele frequency attached by ClinVar (database versions not stated): gnomAD exomes 0.00001 and 0.00003; ExAC 0.00002; TOPMed 0.00003; gnomAD 0.00007.
gnomAD v4.1: 47 of 1,614,040 alleles (0.0029%); highest among the groups gnomAD compares: African/African-American, 0.016%; no homozygotes.

Submissions (2):

Ambry Genetics
Classification: Uncertain significance for Primary ciliary dyskinesia. Last evaluated: 2024-06-17. Review status: criteria provided, single submitter. Criteria: Ambry Variant Classification Scheme 2023. Collection method: clinical testing. Allele origin: germline.

Labcorp Genetics (formerly Invitae), Labcorp
Classification: Uncertain significance for Primary ciliary dyskinesia. Last evaluated: 2022-07-05. Review status: criteria provided, single submitter. Criteria: Invitae Variant Classification Sherloc (09022015). Collection method: clinical testing. Allele origin: germline.
Comment: In summary, the available evidence is currently insufficient to determine the role of this variant in disease. Therefore, it has been classified as a Variant of Uncertain Significance. Algorithms developed to predict the effect of missense changes on protein structure and function output the following: SIFT: "Deleterious"; PolyPhen-2: "Benign"; Align-GVGD: "Class C0". The valine amino acid residue is found in multiple mammalian species, which suggests that this missense change does not adversely affect protein function. ClinVar contains an entry for this variant (Variation ID: 1035433). This variant has not been reported in the literature in individuals affected with CCDC40-related conditions. This variant is present in population databases (rs774090634, gnomAD 0.02%). This sequence change replaces methionine, which is neutral and non-polar, with valine, which is neutral and non-polar, at codon 404 of the CCDC40 protein (p.Met404Val).